The following is an entry in ClinVar:

NM_001122630.2(CDKN1C):c.608C>A (p.Pro203Gln)

Gene: CDKN1C (cyclin dependent kinase inhibitor 1C; minus strand). Cytogenetic location: 11p15.4.
Variant type: single nucleotide variant.
Coding change: c.608C>A on transcript NM_001122630.2 (MANE Select); coding-DNA position 608, C replaced by A.
Protein change: p.Pro203Gln; replaces proline 203 with glutamine.
Molecular consequence: missense variant. On other transcripts: intron variant (1).
Genome position (GRCh38, 1-based): chr11:2,884,849, G>T on the plus strand (C>A on the coding strand, the complement: CDKN1C is on the minus strand). VCF-style: chr11-2884849-G-T. GRCh37 (hg19) VCF-style: chr11-2906079-G-T.
Other names: c.255+353C>A (NM_001362475.2); c.641C>A, p.Pro214Gln (NM_000076.2, NM_001362474.2); c.608C>A, p.Pro203Gln (NM_001122631.2); short protein forms P214Q, P203Q.
Identifiers: ClinVar variation 1489189 (VCV001489189.6), dbSNP rs1564929606, ClinGen allele CA379146136.

ClinVar aggregate classification (germline): Uncertain significance (1 of 4 stars; one submission).

Conditions:
Beckwith-Wiedemann syndrome (BWS). Also called: Exomphalos macroglossia gigantism syndrome; EMG SYNDROME. Identifiers: Orphanet 116, MedGen C0004903, MONDO:0007534, OMIM 130650.

Allele frequency attached by ClinVar (database versions not stated): gnomAD exomes below 0.00001.
gnomAD v4.1: 2 of 1,148,826 alleles (0.00017%); highest among the groups gnomAD compares: East Asian, 0.0081%; no homozygotes.

Submission:

Labcorp Genetics (formerly Invitae), Labcorp
Classification: Uncertain significance for Beckwith-Wiedemann syndrome. Last evaluated: 2023-07-19. Review status: criteria provided, single submitter. Criteria: Invitae Variant Classification Sherloc (09022015). Collection method: clinical testing. Allele origin: germline.
Comment: This sequence change replaces proline, which is neutral and non-polar, with glutamine, which is neutral and polar, at codon 214 of the CDKN1C protein (p.Pro214Gln). In summary, the available evidence is currently insufficient to determine the role of this variant in disease. Therefore, it has been classified as a Variant of Uncertain Significance. RNA analysis performed to evaluate the impact of this missense change on mRNA splicing indicates it does not significantly alter splicing (Invitae). Advanced modeling of protein sequence and biophysical properties (such as structural, functional, and spatial information, amino acid conservation, physicochemical variation, residue mobility, and thermodynamic stability) performed at Invitae indicates that this missense variant is not expected to disrupt CDKN1C protein function. ClinVar contains an entry for this variant (Variation ID: 1489189). This variant has not been reported in the literature in individuals affected with CDKN1C-related conditions. This variant is not present in population databases (gnomAD no frequency).